The following is an entry in ClinVar:

ClinVar aggregate classification (germline): Uncertain significance (1 of 4 stars; one submission).

Conditions:
Peroxisome biogenesis disorder 2B (PBD2B). Identifiers: Orphanet 44, MedGen C3550234, MONDO:0008736, OMIM 202370.

Submission:

Labcorp Genetics (formerly Invitae), Labcorp
Classification: Uncertain significance for Peroxisome biogenesis disorder 2B. Last evaluated: 2021-09-26. Review status: criteria provided, single submitter. Criteria: Invitae Variant Classification Sherloc (09022015). Collection method: clinical testing. Allele origin: germline.
Comment: This sequence change affects the initiator methionine of the PEX5 mRNA. The next in-frame methionine is located at codon 3. This variant is not present in population databases (ExAC no frequency). This variant has not been reported in the literature in individuals affected with PEX5-related conditions. Experimental studies and prediction algorithms are not available or were not evaluated, and the functional significance of this variant is currently unknown. In summary, the available evidence is currently insufficient to determine the role of this variant in disease. Therefore, it has been classified as a Variant of Uncertain Significance.

NM_001351132.2(PEX5):c.1A>G (p.Met1Val)

Gene: PEX5 (peroxisomal biogenesis factor 5; plus strand). Cytogenetic location: 12p13.31.
Variant type: single nucleotide variant.
Coding change: c.1A>G on transcript NM_001351132.2 (MANE Select); coding-DNA position 1, A replaced by G.
Protein change: p.Met1Val; changes the start codon (methionine 1).
Molecular consequence: missense variant, initiator codon variant.
Genome position (GRCh38, 1-based): chr12:7,190,378, A>G. VCF-style: chr12-7190378-A-G. GRCh37 (hg19) VCF-style: chr12-7342974-A-G.
Other names: c.1A>G, p.Met1Val (NM_000319.5, NM_001131023.2, NM_001131024.2 and 22 more transcripts); short protein forms M1V.
Identifiers: ClinVar variation 1383521 (VCV001383521.3), dbSNP rs2135875571, ClinGen allele CA383706851.